The following is an entry in ClinVar:

ClinVar aggregate classification (germline): Uncertain significance (1 of 4 stars; one submission).

Conditions:
Familial cancer of breast. Also called: hereditary breast carcinoma; BREAST CANCER, FAMILIAL; Hereditary breast cancer. Identifiers: Orphanet 227535, MedGen C0346153, MONDO:0016419, OMIM 114480. Disease mechanism: loss of function.

Submission:

Labcorp Genetics (formerly Invitae), Labcorp
Classification: Uncertain significance for Familial cancer of breast. Last evaluated: 2018-04-16. Review status: criteria provided, single submitter. Criteria: Invitae Variant Classification Sherloc (09022015). Collection method: clinical testing. Allele origin: germline.
Comment: This sequence change replaces isoleucine with leucine at codon 509 of the BARD1 protein (p.Ile509Leu). The isoleucine residue is highly conserved and there is a small physicochemical difference between isoleucine and leucine. This variant is not present in population databases (ExAC no frequency). This variant has not been reported in the literature in individuals with BARD1-related disease. Algorithms developed to predict the effect of missense changes on protein structure and function do not agree on the potential impact of this missense change (SIFT: "Deleterious"; PolyPhen-2: "Possibly Damaging"; Align-GVGD: "Class C0"). In summary, the available evidence is currently insufficient to determine the role of this variant in disease. Therefore, it has been classified as a Variant of Uncertain Significance.

NM_000465.4(BARD1):c.1525A>C (p.Ile509Leu)

Gene: BARD1 (BRCA1 associated RING domain 1; minus strand). Cytogenetic location: 2q35.
Variant type: single nucleotide variant.
Coding change: c.1525A>C on transcript NM_000465.4 (MANE Select); coding-DNA position 1525, A replaced by C.
Protein change: p.Ile509Leu; replaces isoleucine 509 with leucine.
Molecular consequence: missense variant. On other transcripts: non-coding transcript variant (3), intron variant (3).
Genome position (GRCh38, 1-based): chr2:214,767,525, T>G on the plus strand (A>C on the coding strand, the complement: BARD1 is on the minus strand). VCF-style: chr2-214767525-T-G. GRCh37 (hg19) VCF-style: chr2-215632249-T-G.
Other names: c.1468A>C, p.Ile490Leu (NM_001282543.2); c.159-14970A>C (NM_001282548.2); c.216-14970A>C (NM_001282545.2); c.364+24772A>C (NM_001282549.2); short protein forms I509L, I490L.
Identifiers: ClinVar variation 574150 (VCV000574150.9), dbSNP rs876658576, ClinGen allele CA350448247.